The following is an entry in ClinVar:

NM_018451.5(CPAP):c.2791C>T (p.Arg931Cys)

Gene: CPAP (centrosome assembly and centriole elongation protein; minus strand). Cytogenetic location: 13q12.13.
Variant type: single nucleotide variant.
Coding change: c.2791C>T on transcript NM_018451.5 (MANE Select); coding-DNA position 2791, C replaced by T.
Protein change: p.Arg931Cys; replaces arginine 931 with cysteine.
Molecular consequence: missense variant. On other transcripts: non-coding transcript variant (2).
Genome position (GRCh38, 1-based): chr13:24,903,960, G>A on the plus strand (C>T on the coding strand, the complement: CPAP is on the minus strand). VCF-style: chr13-24903960-G-A. GRCh37 (hg19) VCF-style: chr13-25478098-G-A.
Other names: c.2791C>T (NM_018451.3); short protein forms R931C.
Identifiers: ClinVar variation 881244 (VCV000881244.12), dbSNP rs199749446, ClinGen allele CA247079292.

ClinVar aggregate classification (germline): Uncertain significance. Review status: criteria provided, multiple submitters, no conflicts (2 of 4 stars). 4 submissions from 3 submitters: Uncertain significance (4). Last evaluated 2023-04-24.

Conditions:
Microcephaly 6, primary, autosomal recessive. Identifiers: Orphanet 2512, MedGen C1842109, MONDO:0012029, OMIM 608393.
Inborn genetic diseases. Identifiers: MedGen C0950123, MeSH D030342.
Seckel syndrome 4 (SCKL4). Identifiers: Orphanet 808, MedGen C3888212, MONDO:0013358, OMIM 613676.

Allele frequency attached by ClinVar (database versions not stated): gnomAD 0.00002; gnomAD exomes 0.00002; TOPMed 0.00002.
gnomAD v4.1: 52 of 1,613,940 alleles (0.0032%); highest among the groups gnomAD compares: Non-Finnish European, 0.0038%; no homozygotes.

Submissions (4):

Ambry Genetics
Classification: Uncertain significance for Inborn genetic diseases. Last evaluated: 2023-04-24. Review status: criteria provided, single submitter. Criteria: Ambry Variant Classification Scheme 2023. Collection method: clinical testing. Allele origin: germline.

Labcorp Genetics (formerly Invitae), Labcorp
Classification: Uncertain significance. Last evaluated: 2022-10-25. Review status: criteria provided, single submitter. Criteria: Invitae Variant Classification Sherloc (09022015). Collection method: clinical testing. Allele origin: germline.
Comment: This sequence change replaces arginine, which is basic and polar, with cysteine, which is neutral and slightly polar, at codon 931 of the CENPJ protein (p.Arg931Cys). This variant is present in population databases (rs199749446, gnomAD 0.006%). This variant has not been reported in the literature in individuals affected with CENPJ-related conditions. ClinVar contains an entry for this variant (Variation ID: 881244). Advanced modeling of protein sequence and biophysical properties (such as structural, functional, and spatial information, amino acid conservation, physicochemical variation, residue mobility, and thermodynamic stability) performed at Invitae indicates that this missense variant is expected to disrupt CENPJ protein function. In summary, the available evidence is currently insufficient to determine the role of this variant in disease. Therefore, it has been classified as a Variant of Uncertain Significance.

Illumina Laboratory Services, Illumina
Classification: Uncertain significance for Seckel syndrome 4. Last evaluated: 2017-04-27. Review status: criteria provided, single submitter. Criteria: ICSL Variant Classification Criteria 13 December 2019. Collection method: clinical testing. Allele origin: germline.

Illumina Laboratory Services, Illumina
Classification: Uncertain significance for Microcephaly 6, primary, autosomal recessive. Last evaluated: 2017-04-27. Review status: criteria provided, single submitter. Criteria: ICSL Variant Classification Criteria 13 December 2019. Collection method: clinical testing. Allele origin: germline.